The following is an entry in ClinVar:

ClinVar aggregate classification (germline): Uncertain significance. Review status: criteria provided, single submitter (1 of 4 stars). 2 submissions from 2 submitters: Uncertain significance (1). 1 of the submissions does not count toward it. Last evaluated 2025-07-15.

Conditions:
Intellectual developmental disorder with severe speech and ambulation defects. Identifiers: MedGen C5193115, MONDO:0032770, OMIM 618470.

Allele frequency attached by ClinVar (database versions not stated): gnomAD exomes below 0.00001.
gnomAD v4.1: 4 of 1,613,890 alleles (0.00025%); highest among the groups gnomAD compares: Non-Finnish European, 0.00034%; no homozygotes.

Submissions (2):

GeneDx
Classification: Uncertain significance. Last evaluated: 2025-07-15. Review status: criteria provided, single submitter. Criteria: GeneDx Variant Classification Process June 2021. Collection method: clinical testing. Allele origin: germline. Affected: yes.
Comment: Identified in a cohort of individuals with neurodevelopmental disorders, however detailed clinical and segregation information was not provided (PMID: 37500730); Not observed at significant frequency in large population cohorts (gnomAD); In silico analysis suggests that this missense variant does not alter protein structure/function; This variant is associated with the following publications: (PMID: 37500730)

Clinical Genetics Laboratory, University Hospital Schleswig-Holstein
Classification: Uncertain significance for Intellectual developmental disorder with severe speech and ambulation defects. Last evaluated: 2022-07-01. Review status: no assertion criteria provided. Collection method: clinical testing. Allele origin: germline. Affected: yes. Not counted in ClinVar's aggregate classification.

NM_016188.5(ACTL6B):c.155T>C (p.Leu52Pro)

Gene: ACTL6B (actin like 6B; minus strand). Cytogenetic location: 7q22.1.
Variant type: single nucleotide variant.
Coding change: c.155T>C on transcript NM_016188.5 (MANE Select); coding-DNA position 155, T replaced by C.
Protein change: p.Leu52Pro; replaces leucine 52 with proline.
Molecular consequence: missense variant. On other transcripts: non-coding transcript variant (1).
Genome position (GRCh38, 1-based): chr7:100,655,534, A>G on the plus strand (T>C on the coding strand, the complement: ACTL6B is on the minus strand). VCF-style: chr7-100655534-A-G. GRCh37 (hg19) VCF-style: chr7-100253157-A-G.
Other names: c.155T>C (NM_016188.4); short protein forms L52P.
Identifiers: ClinVar variation 1710282 (VCV001710282.3), dbSNP rs1804023252, ClinGen allele CA368549497.
Genomic context (GRCh38, chr7:100,655,534, plus strand): 5'-AGGGCATTGGTGTCGATGTGGAAGATCTTCCCTTTCTTCTCTTTGTCCCCCTCCAGCTCC[A>G]GCCCGCCCCCCTCCTCCGCGGCCAGCAGCCCCACTGTGGTGGGGAAGTCAGCCTGGTGGG-3'
Protein context (NP_057272.1, residues 42-62): GLLAAEEGGG[Leu52Pro]ELEGDKEKKG